The following is an entry in ClinVar:

ClinVar aggregate classification (germline): Pathogenic. Review status: reviewed by expert panel (3 of 4 stars). 2 submissions from 2 submitters: Pathogenic (1). 1 of the submissions does not count toward it. Last evaluated 2017-12-15.

Conditions:
Breast-ovarian cancer, familial, susceptibility to, 1 (BROVCA1). Also called: BRCA1 Hereditary Breast and Ovarian Cancer; OVARIAN CANCER, SUSCEPTIBILITY TO. Identifiers: Orphanet 145, MedGen C2676676, MONDO:0011450, OMIM 604370. Disease mechanism: loss of function.
Familial cancer of breast. Also called: hereditary breast carcinoma; BREAST CANCER, FAMILIAL; Hereditary breast cancer. Identifiers: Orphanet 227535, MedGen C0346153, MONDO:0016419, OMIM 114480. Disease mechanism: loss of function.

Submissions (2):

Evidence-based Network for the Interpretation of Germline Mutant Alleles (ENIGMA)
Classification: Pathogenic for Breast-ovarian cancer, familial, susceptibility to, 1. Last evaluated: 2017-12-15. Review status: reviewed by expert panel. Criteria: ENIGMA BRCA1/2 Classification Criteria (2017-06-29). Collection method: curation. Allele origin: germline. Study: ENIGMA.
Comment: Variant allele predicted to encode a truncated non-functional protein.

ClinVar Staff, National Center for Biotechnology Information (NCBI)
No classification provided. Condition: Familial cancer of breast. Review status: no classification provided. Collection method: literature only. Allele origin: germline. Affected: yes. Not counted in ClinVar's aggregate classification.

Literature cited by the submitters: PubMed 10874312 (cited by ClinVar Staff, National Center for Biotechnology Information (NCBI)).

NM_007294.4(BRCA1):c.961del (p.Trp321fs)

Gene: BRCA1 (BRCA1 DNA repair associated; minus strand). Cytogenetic location: 17q21.31.
Variant type: Deletion.
Coding change: c.961del on transcript NM_007294.4 (MANE Select); coding-DNA position 961, one base deleted (T; older notation c.961delT).
Protein change: p.Trp321fs; shifts the reading frame from tryptophan 321.
Molecular consequence: frameshift variant. On other transcripts: intron variant (137).
Genome position (GRCh38, 1-based): chr17:43,094,570, A deleted on the plus strand (T on the coding strand, the reverse complement: BRCA1 is on the minus strand). VCF-style (leftmost placement, unchanged base first): chr17-43094569-CA-C. GRCh37 (hg19) VCF-style: chr17-41246586-CA-C.
Other names: c.709+174del (NM_001408414.1, NM_001408411.1, NM_001408415.1 and 2 more transcripts); c.577+174del (NM_001408514.1, NM_001408485.1, NM_001408483.1 and 9 more transcripts); c.661+174del (NM_001408447.1, NM_001408433.1, NM_001408446.1 and 6 more transcripts); c.784+174del (NM_001408400.1, NM_001408392.1, NM_001407986.1 and 13 more transcripts); c.664+174del (NM_001408441.1, NM_001408437.1, NM_001408429.1 and 12 more transcripts); c.787+174del (NM_001407979.1, NM_001407977.1, NM_001407982.1 and 19 more transcripts); c.646+174del (NM_001408410.1, NM_001408458.1, NM_001408469.1 and 11 more transcripts); c.748del, p.Trp250fs (NM_001407571.1, NM_001407853.1, NM_001407894.1 and 9 more transcripts); and 40 more; short protein forms W321fs, W274fs, W194fs, W193fs, W25fs, W273fs, W153fs, W232fs.
Identifiers: ClinVar variation 55765 (VCV000055765.3), dbSNP rs397509340, ClinGen allele CA003985.